The following is an entry in ClinVar:

NM_014633.5(CTR9):c.45+5G>T

Gene: CTR9 (CTR9 component of Paf1/RNA polymerase II complex; plus strand). Cytogenetic location: 11p15.4.
Variant type: single nucleotide variant.
Coding change: c.45+5G>T on transcript NM_014633.5 (MANE Select); 5 bases into the intron after coding-DNA position 45, G replaced by T.
Molecular consequence: intron variant.
Genome position (GRCh38, 1-based): chr11:10,751,462, G>T. VCF-style: chr11-10751462-G-T. GRCh37 (hg19) VCF-style: chr11-10773009-G-T.
Other names: c.45+5G>T (NM_001346279.2).
Identifiers: ClinVar variation 1447960 (VCV001447960.7), dbSNP rs758205417, ClinGen allele CA5884766.

ClinVar aggregate classification (germline): Uncertain significance. Review status: criteria provided, multiple submitters, no conflicts (2 of 4 stars). 2 submissions from 2 submitters: Uncertain significance (2). Last evaluated 2025-02-07.

Conditions:
Predisposition to Wilms tumor.

Allele frequency attached by ClinVar (database versions not stated): ExAC 0.00001; gnomAD 0.00001; gnomAD exomes 0.00001 and 0.00007; TOPMed 0.00002.
gnomAD v4.1: 109 of 1,613,882 alleles (0.0068%); highest among the groups gnomAD compares: Non-Finnish European, 0.0089%; no homozygotes.

Submissions (2):

Labcorp Genetics (formerly Invitae), Labcorp
Classification: Uncertain significance. Last evaluated: 2025-02-07. Review status: criteria provided, single submitter. Criteria: Invitae Variant Classification Sherloc (09022015). Collection method: clinical testing. Allele origin: germline.
Comment: This sequence change falls in intron 1 of the CTR9 gene. It does not directly change the encoded amino acid sequence of the CTR9 protein. It affects a nucleotide within the consensus splice site. This variant is present in population databases (rs758205417, gnomAD 0.003%). This variant has not been reported in the literature in individuals affected with CTR9-related conditions. ClinVar contains an entry for this variant (Variation ID: 1447960). Variants that disrupt the consensus splice site are a relatively common cause of aberrant splicing (PMID: 17576681, 9536098). Algorithms developed to predict the effect of sequence changes on RNA splicing suggest that this variant is not likely to affect RNA splicing. In summary, the available evidence is currently insufficient to determine the role of this variant in disease. Therefore, it has been classified as a Variant of Uncertain Significance.

St. Jude Molecular Pathology, St. Jude Children's Research Hospital
Classification: Uncertain significance for Predisposition to Wilms tumor. Last evaluated: 2024-04-30. Review status: criteria provided, single submitter. Criteria: St. Jude Assertion Criteria 2020. Collection method: clinical testing. Allele origin: germline.
Comment: The CTR9 c.45+5G>T intronic change results in a G to T substitution at the +5 position of intron 1 of the CTR9 gene. Algorithms that predict the impact of sequence changes on splicing indicate that this variant may impact splicing. This variant has a maximum subpopulation frequency of 0.003% in gnomAD v2.1.1. To our knowledge, this variant has not been reported in individuals with Wilms tumor. In summary, the evidence currently available is insufficient to determine the clinical significance of this variant. It has therefore been classified as of uncertain significance.

Literature cited by the submitters: PubMed 17576681 (cited by Labcorp Genetics (formerly Invitae), Labcorp); PubMed 9536098 (cited by Labcorp Genetics (formerly Invitae), Labcorp).